The following is an entry in ClinVar:

ClinVar aggregate classification (germline): Pathogenic (1 of 4 stars; one submission).

Conditions:
Long QT syndrome 2 (LQT2). Identifiers: Orphanet 101016, Orphanet 768, MedGen C3150943, MONDO:0013367, OMIM 613688.

Submission:

Victorian Clinical Genetics Services, Murdoch Childrens Research Institute
Classification: Pathogenic for Long QT syndrome 2. Last evaluated: 2023-07-17. Review status: criteria provided, single submitter. Criteria: ACMG Guidelines, 2015. Collection method: clinical testing. Allele origin: germline. Inheritance: Autosomal dominant inheritance. Affected: yes.
Comment: Based on the classification scheme VCGS_Germline_v1.3.4, this variant is classified as Pathogenic. Following criteria are met: 0103 - Dominant negative and loss of function are known mechanisms of disease in this gene and are associated with long QT syndrome 2 (MIM#613688). Gain of function is also a known mechanism associated with short QT syndrome 1 (MIM#609620) (OMIM, PMID: 10753933; PMID: 21777565). (I) 0107 - This gene is associated with autosomal dominant disease. (I) 0112 - The condition associated with this gene has incomplete penetrance (PMID: 20301308). (I) 0201 - Variant is predicted to cause nonsense-mediated decay (NMD) and loss of protein (premature termination codon is located at least 54 nucleotides upstream of the final exon-exon junction). (SP) 0251 - This variant is heterozygous. (I) 0301 - Variant is absent from gnomAD (both v2 and v3). (SP) 0701 - Other NMD-predicted variants comparable to the one identified in this case have very strong previous evidence for pathogenicity (ClinVar). (SP) 0803 - This variant has limited previous evidence of pathogenicity in an unrelated individual. (SP) 0905 - No published segregation evidence has been identified for this variant. (I) 1007 - No published functional evidence has been identified for this variant. (I) 1208 - Inheritance information for this variant is not currently available in this individual. (I) Legend: (SP) - Supporting pathogenic, (I) - Information, (SB) - Supporting benign

Literature cited by the submitters: PubMed 10753933; PubMed 20301308; PubMed 21777565.

NM_000238.4(KCNH2):c.3079del (p.Leu1027fs)

Gene: KCNH2 (potassium voltage-gated channel subfamily H member 2; minus strand). Cytogenetic location: 7q36.1.
Variant type: Deletion.
Coding change: c.3079del on transcript NM_000238.4 (MANE Select); coding-DNA position 3079, one base deleted (C; older notation c.3079delC).
Protein change: p.Leu1027fs; shifts the reading frame from leucine 1027.
Molecular consequence: frameshift variant. On other transcripts: non-coding transcript variant (2).
Genome position (GRCh38, 1-based): chr7:150,947,401, G deleted on the plus strand (C on the coding strand, the reverse complement: KCNH2 is on the minus strand); the first of 5 consecutive G bases (chr7:150,947,401-150,947,405); deleting any one gives the same sequence. VCF-style (leftmost placement, unchanged base first): chr7-150947400-AG-A. GRCh37 (hg19) VCF-style: chr7-150644488-AG-A.
Other names: c.2791del, p.Leu931fs (NM_001406753.1); c.2059del, p.Leu687fs (NM_172057.3); c.3079delC (NM_000238.3); short protein forms L1027fs, L687fs, L931fs.
Identifiers: ClinVar variation 3255227 (VCV003255227.1), dbSNP rs794728465.